The following is an entry in ClinVar:

NM_003482.4(KMT2D):c.7156C>T (p.Arg2386Trp)

Gene: KMT2D (lysine methyltransferase 2D; minus strand). Cytogenetic location: 12q13.12.
Variant type: single nucleotide variant.
Coding change: c.7156C>T on transcript NM_003482.4 (MANE Select); coding-DNA position 7156, C replaced by T.
Protein change: p.Arg2386Trp; replaces arginine 2386 with tryptophan.
Molecular consequence: missense variant.
Genome position (GRCh38, 1-based): chr12:49,040,614, G>A on the plus strand (C>T on the coding strand, the complement: KMT2D is on the minus strand). VCF-style: chr12-49040614-G-A. GRCh37 (hg19) VCF-style: chr12-49434397-G-A.
Other names: short protein forms R2386W.
Identifiers: ClinVar variation 1803569 (VCV001803569.7), dbSNP rs967482995, ClinGen allele CA236648275.

ClinVar aggregate classification (germline): Uncertain significance. Review status: criteria provided, multiple submitters, no conflicts (2 of 4 stars). 3 submissions from 3 submitters: Uncertain significance (3). Last evaluated 2022-12-28.

Conditions:
Inborn genetic diseases. Identifiers: MedGen C0950123, MeSH D030342.
Kabuki syndrome. Also called: Kabuki make-up syndrome; NIIKAWA-KUROKI SYNDROME. Identifiers: Orphanet 2322, MedGen C0796004, MONDO:0016512.

Allele frequency attached by ClinVar (database versions not stated): TOPMed below 0.00001; gnomAD 0.00002.

Submissions (3):

Ambry Genetics
Classification: Uncertain significance for Inborn genetic diseases. Last evaluated: 2022-12-28. Review status: criteria provided, single submitter. Criteria: Ambry Variant Classification Scheme 2023. Collection method: clinical testing. Allele origin: germline.

Labcorp Genetics (formerly Invitae), Labcorp
Classification: Uncertain significance for Kabuki syndrome. Last evaluated: 2022-12-02. Review status: criteria provided, single submitter. Criteria: Invitae Variant Classification Sherloc (09022015). Collection method: clinical testing. Allele origin: germline.
Comment: This sequence change replaces arginine, which is basic and polar, with tryptophan, which is neutral and slightly polar, at codon 2386 of the KMT2D protein (p.Arg2386Trp). The frequency data for this variant in the population databases is considered unreliable, as metrics indicate poor data quality at this position in the gnomAD database. This variant has not been reported in the literature in individuals affected with KMT2D-related conditions. Advanced modeling of protein sequence and biophysical properties (such as structural, functional, and spatial information, amino acid conservation, physicochemical variation, residue mobility, and thermodynamic stability) performed at Invitae indicates that this missense variant is not expected to disrupt KMT2D protein function. In summary, the available evidence is currently insufficient to determine the role of this variant in disease. Therefore, it has been classified as a Variant of Uncertain Significance.

GeneDx
Classification: Uncertain significance. Last evaluated: 2022-06-08. Review status: criteria provided, single submitter. Criteria: GeneDx Variant Classification Process June 2021. Collection method: clinical testing. Allele origin: germline. Affected: yes.
Comment: In silico analysis supports that this missense variant has a deleterious effect on protein structure/function; Has not been previously published as pathogenic or benign to our knowledge